The following is an entry in ClinVar:

NM_000138.5(FBN1):c.299G>A (p.Cys100Tyr)

Gene: FBN1 (fibrillin 1; minus strand). Cytogenetic location: 15q21.1.
Variant type: single nucleotide variant.
Coding change: c.299G>A on transcript NM_000138.5 (MANE Select); coding-DNA position 299, G replaced by A.
Protein change: p.Cys100Tyr; replaces cysteine 100 with tyrosine.
Molecular consequence: missense variant.
Genome position (GRCh38, 1-based): chr15:48,610,775, C>T on the plus strand (G>A on the coding strand, the complement: FBN1 is on the minus strand). VCF-style: chr15-48610775-C-T. GRCh37 (hg19) VCF-style: chr15-48902972-C-T.
Other names: short protein forms C100Y.
Identifiers: ClinVar variation 228262 (VCV000228262.9), dbSNP rs397515782, ClinGen allele CA10576993.

ClinVar aggregate classification (germline): Pathogenic/Likely pathogenic. Review status: criteria provided, multiple submitters, no conflicts (2 of 4 stars). 3 submissions from 3 submitters: Pathogenic (1); Likely pathogenic (2). Last evaluated 2024-05-21.

Conditions:
Marfan syndrome (MFS). Also called: MARFAN SYNDROME, TYPE I; FBN1-Related Marfan Syndrome; Marfan syndrome, classic; Marfan syndrome type 1; Marfan's syndrome. Identifiers: Orphanet 284963, Orphanet 558, MedGen C0024796, MONDO:0007947, OMIM 154700.
Familial thoracic aortic aneurysm and aortic dissection (TAAD). Also called: Thoracic aortic aneurysms and dissections. Identifiers: Orphanet 91387, MedGen C4707243, MONDO:0019625.

Submissions (3):

Labcorp Genetics (formerly Invitae), Labcorp
Classification: Pathogenic for Marfan syndrome; Familial thoracic aortic aneurysm and aortic dissection. Last evaluated: 2024-05-21. Review status: criteria provided, single submitter. Criteria: Invitae Variant Classification Sherloc (09022015). Collection method: clinical testing. Allele origin: germline.
Comment: This sequence change replaces cysteine, which is neutral and slightly polar, with tyrosine, which is neutral and polar, at codon 100 of the FBN1 protein (p.Cys100Tyr). This variant is not present in population databases (gnomAD no frequency). This missense change has been observed in individuals with clinical features of Marfan syndrome (PMID: 19533785; Invitae). ClinVar contains an entry for this variant (Variation ID: 228262). Advanced modeling of protein sequence and biophysical properties (such as structural, functional, and spatial information, amino acid conservation, physicochemical variation, residue mobility, and thermodynamic stability) performed at Invitae indicates that this missense variant is expected to disrupt FBN1 protein function with a positive predictive value of 95%. This variant affects a cysteine residue in the EGF-like, TGFBP or hybrid motif domains of FBN1. Cysteine residues are believed to be involved in intramolecular disulfide bridges and have been shown to be important for FBN1 protein structure (PMID: 16905551, 19349279). In addition, missense substitutions affecting cysteine residues within these domains are significantly overrepresented among patients with Marfan syndrome (PMID: 16571647, 17701892). For these reasons, this variant has been classified as Pathogenic.

Victorian Clinical Genetics Services, Murdoch Childrens Research Institute
Classification: Likely pathogenic for Marfan syndrome. Last evaluated: 2022-06-24. Review status: criteria provided, single submitter. Criteria: ACMG Guidelines, 2015. Collection method: clinical testing. Allele origin: germline. Inheritance: Autosomal dominant inheritance.
Comment: Based on the classification scheme VCGS_Germline_v1.3.4, this variant is classified as Likely Pathogenic. Following criteria are met: 0103 - Dominant negative and loss of function are known mechanisms of disease in this gene and are associated with FBN1-related disease. Variants predicted to result in nonsense mediated decay are commonly associated with severe Marfan syndrome (MIM#154700). Missense variants with both dominant negative and loss of function effects are associated with Marfan syndrome and ectopia lentis (MIM#129600; OMIM, PMID: 29357934). The exact genotype-phenotype correlation for this gene is still unclear, and is compounded by variable expressivity (PMID: 20301510). (I) 0107 - This gene is predominantly associated with autosomal dominant disease; autosomal recessive forms of Marfan syndrome have been reported infrequently (PMID: 27274304; 31950671). 0115 - Variants in this gene are known to have variable expressivity. The genotype-phenotype correlations for this gene are unclear, with variants reported in patients with a range of phenotypes (PMID: 20301510, OMIM). (I) 0200 - Variant is predicted to result in a missense amino acid change from cysteine to tyrosine. (I) 0251 - This variant is heterozygous. (I) 0301 - Variant is absent from gnomAD (both v2 and v3). (SP) 0501 - Missense variant consistently predicted to be damaging by multiple in silico tools or highly conserved with a major amino acid change. (SP) 0601 - Variant affects a well-established functional cysteine residue of an EGF-like domain. Cysteine substitutions in EGF-like domains are commonly disease-causing (PMID: 31227806). (SP) 0703 - Other missense variants comparable to the one identified in this case have moderate previous evidence for pathogenicity. Alternative changes to phenylalanine and arginine have been described as pathogenic or likely pathogenic in ClinVar and the literature (PMID: 31730815). (SP) 0803 - This variant has limited previous evidence of pathogenicity in unrelated individuals. This variant has been reported likely pathogenic in ClinVar and in the literature in an individual with Marfan syndrome (PMID: 19533785). (SP) 0905 - No published segregation evidence has been identified for this variant. (I) 1007 - No published functional evidence has been identified for this variant. (I) 1207 - Parental origin of the variant is unresolved. Father was not tested. (I) Legend: (SP) - Supporting pathogenic, (I) - Information, (SB) - Supporting benign

Laboratory for Molecular Medicine, Mass General Brigham Personalized Medicine
Classification: Likely pathogenic for Marfan syndrome. Last evaluated: 2015-02-04. Review status: criteria provided, single submitter. Criteria: LMM Criteria. Collection method: clinical testing. Allele origin: germline. Observed: 1 variant allele.
Comment: It was absent from large population studies. Computational prediction tools and conservati on analysis suggest that the p.Cys100Tyr variant may impact the protein, though this information is not predictive enough to determine pathogenicity. Furthermor e, this variant affects a highly conserved cysteine residue in the EGF-like doma ins, which is a common finding in individuals with Marfan syndrome (Schrijver 19 99). In summary, although additional studies are required to fully establish its clinical significance, the p.Cys100Tyr variant is likely pathogenic.

Literature cited by the submitters: PubMed 19533785 (cited by 3 submitters); PubMed 16905551 (cited by Labcorp Genetics (formerly Invitae), Labcorp); PubMed 19349279 (cited by Labcorp Genetics (formerly Invitae), Labcorp); PubMed 16571647 (cited by Labcorp Genetics (formerly Invitae), Labcorp); PubMed 17701892 (cited by Labcorp Genetics (formerly Invitae), Labcorp); NCBI Bookshelf NBK1335 (cited by Victorian Clinical Genetics Services, Murdoch Childrens Research Institute); PubMed 20301510 (cited by Victorian Clinical Genetics Services, Murdoch Childrens Research Institute); PubMed 27274304 (cited by Victorian Clinical Genetics Services, Murdoch Childrens Research Institute); PubMed 29357934 (cited by Victorian Clinical Genetics Services, Murdoch Childrens Research Institute); PubMed 31227806 (cited by Victorian Clinical Genetics Services, Murdoch Childrens Research Institute); PubMed 31730815 (cited by Victorian Clinical Genetics Services, Murdoch Childrens Research Institute); PubMed 31950671 (cited by Victorian Clinical Genetics Services, Murdoch Childrens Research Institute); PubMed 10486319 (cited by Laboratory for Molecular Medicine, Mass General Brigham Personalized Medicine).